The following is an entry in ClinVar:

ClinVar aggregate classification (germline): Benign. Review status: criteria provided, multiple submitters, no conflicts (2 of 4 stars). 5 submissions from 3 submitters: Benign (5). Last evaluated 2021-05-13.

Conditions:
Atrial fibrillation, familial, 9 (ATFB9). Identifiers: MedGen C3151431, MONDO:0013513, OMIM 613980.
Short QT syndrome type 3. Identifiers: Orphanet 51083, MedGen C1865018, MONDO:0012314, OMIM 609622.
Andersen Tawil syndrome (LQT7). Also called: ANDERSEN CARDIODYSRHYTHMIC PERIODIC PARALYSIS; LONG QT SYNDROME 7; PERIODIC PARALYSIS, POTASSIUM-SENSITIVE CARDIODYSRHYTHMIC TYPE; Andersen Syndrome; Potassium-sensitive periodic paralysis, ventricular ectopy, and dysmorphic features. Identifiers: Orphanet 37553, MedGen C1563715, MONDO:0008222, OMIM 170390.

Allele frequency attached by ClinVar (database versions not stated): gnomAD exomes 0.00020; gnomAD 0.06347 and 0.06783; TOPMed 0.07262; 1000 Genomes Project 0.07328; 1000 Genomes Project 30x 0.07839.
gnomAD v4.1: 9,571 of 167,266 alleles (5.7%); highest among the groups gnomAD compares: African/African-American, 22%; 1,017 homozygotes.

Submissions (5):

GeneDx
Classification: Benign. Last evaluated: 2021-05-13. Review status: criteria provided, single submitter. Criteria: GeneDx Variant Classification Process June 2021. Collection method: clinical testing. Allele origin: germline. Affected: yes.

Illumina Laboratory Services, Illumina
Classification: Benign for Andersen Tawil syndrome. Last evaluated: 2018-01-12. Review status: criteria provided, single submitter. Criteria: ICSL Variant Classification Criteria 13 December 2019. Collection method: clinical testing. Allele origin: germline.
Comment: This variant was observed in the ICSL laboratory as part of a predisposition screen in an ostensibly healthy population. It had not been previously curated by ICSL or reported in the Human Gene Mutation Database (HGMD: prior to June 1st, 2018), and was therefore a candidate for classification through an automated scoring system. Utilizing variant allele frequency, disease prevalence and penetrance estimates, and inheritance mode, an automated score was calculated to assess if this variant is too frequent to cause the disease. Based on the score and internal cut-off values, a variant classified as benign is not then subjected to further curation. The score for this variant resulted in a classification of benign for this disease.

Illumina Laboratory Services, Illumina
Classification: Benign for Atrial fibrillation, familial, 9. Last evaluated: 2018-01-12. Review status: criteria provided, single submitter. Criteria: ICSL Variant Classification Criteria 13 December 2019. Collection method: clinical testing. Allele origin: germline.
Comment: the same text as in the submission from Illumina Laboratory Services, Illumina above.

Illumina Laboratory Services, Illumina
Classification: Benign for Short QT syndrome type 3. Last evaluated: 2018-01-12. Review status: criteria provided, single submitter. Criteria: ICSL Variant Classification Criteria 13 December 2019. Collection method: clinical testing. Allele origin: germline.
Comment: the same text as in the submission from Illumina Laboratory Services, Illumina above.

Breakthrough Genomics
Classification: Benign. Review status: criteria provided, single submitter. Criteria: ACMG Guidelines, 2015. Collection method: not provided. Allele origin: germline. Inheritance: Autosomal dominant inheritance. Affected: yes.

NM_000891.3(KCNJ2):c.*1266C>T

Gene: KCNJ2 (potassium inwardly rectifying channel subfamily J member 2; plus strand). Cytogenetic location: 17q24.3.
Variant type: single nucleotide variant.
Coding change: c.*1266C>T on transcript NM_000891.3 (MANE Select); 1266 bases downstream of the stop codon, C replaced by T.
Molecular consequence: 3 prime UTR variant.
Genome position (GRCh38, 1-based): chr17:70,177,589, C>T. VCF-style: chr17-70177589-C-T. GRCh37 (hg19) VCF-style: chr17-68173730-C-T.
Identifiers: ClinVar variation 890847 (VCV000890847.8), dbSNP rs9894677, ClinGen allele CA14467789.
Genomic context (GRCh38, chr17:70,177,589, plus strand): 5'-GACTGTCAGGACATCACCAGCCCACCTTCACCTTAGGGAAGATGCCACACCTGGCCTCCA[C>T]ACTTGCTCTTCTGATCAGTCTGTCTGGATTGAGTCCTACAGTGTCAGATAGGGCGGCAAA-3'